The following is an entry in ClinVar:

NM_020366.4(RPGRIP1):c.1726G>A (p.Glu576Lys)

Gene: RPGRIP1 (RPGR interacting protein 1; plus strand). Cytogenetic location: 14q11.2.
Variant type: single nucleotide variant.
Coding change: c.1726G>A on transcript NM_020366.4 (MANE Select); coding-DNA position 1726, G replaced by A.
Protein change: p.Glu576Lys; replaces glutamic acid 576 with lysine.
Molecular consequence: missense variant.
Genome position (GRCh38, 1-based): chr14:21,321,968, G>A. VCF-style: chr14-21321968-G-A. GRCh37 (hg19) VCF-style: chr14-21790127-G-A.
Other names: c.652G>A, p.Glu218Lys (NM_001377523.1, NM_001377948.1, NM_001377949.1 and 1 more transcripts); c.154G>A, p.Glu52Lys (NM_001377951.1); short protein forms E218K, E52K, E576K.
Identifiers: ClinVar variation 855240 (VCV000855240.9), dbSNP rs1448903303, ClinGen allele CA388865999.

ClinVar aggregate classification (germline): Uncertain significance. Review status: criteria provided, multiple submitters, no conflicts (2 of 4 stars). 3 submissions from 3 submitters: Uncertain significance (3). Last evaluated 2025-08-20.

Conditions:
Inborn genetic diseases. Identifiers: MedGen C0950123, MeSH D030342.
Cone-rod dystrophy 13 (CORD13). Identifiers: Orphanet 1872, MedGen C2750720, MONDO:0011987, OMIM 608194.
Leber congenital amaurosis 6 (LCA6). Identifiers: Orphanet 65, MedGen C1854260, MONDO:0013446, OMIM 613826.

Allele frequency attached by ClinVar (database versions not stated): gnomAD exomes below 0.00001; gnomAD 0.00001.
gnomAD v4.1: 7 of 1,613,606 alleles (0.00043%); highest among the groups gnomAD compares: Non-Finnish European, 0.00059%; no homozygotes.

Submissions (3):

Ambry Genetics
Classification: Uncertain significance for Inborn genetic diseases. Last evaluated: 2025-08-20. Review status: criteria provided, single submitter. Criteria: Ambry Variant Classification Scheme 2023. Collection method: clinical testing. Allele origin: germline.

Labcorp Genetics (formerly Invitae), Labcorp
Classification: Uncertain significance for Leber congenital amaurosis 6; Cone-rod dystrophy 13. Last evaluated: 2022-03-10. Review status: criteria provided, single submitter. Criteria: Invitae Variant Classification Sherloc (09022015). Collection method: clinical testing. Allele origin: germline.
Comment: This sequence change replaces glutamic acid, which is acidic and polar, with lysine, which is basic and polar, at codon 576 of the RPGRIP1 protein (p.Glu576Lys). The frequency data for this variant in the population databases is considered unreliable, as metrics indicate poor data quality at this position in the gnomAD database. This variant has not been reported in the literature in individuals affected with RPGRIP1-related conditions. ClinVar contains an entry for this variant (Variation ID: 855240). Algorithms developed to predict the effect of missense changes on protein structure and function are either unavailable or do not agree on the potential impact of this missense change (SIFT: "Deleterious"; PolyPhen-2: "Probably Damaging"; Align-GVGD: "Class C15"). Algorithms developed to predict the effect of sequence changes on RNA splicing suggest that this variant may disrupt the consensus splice site. In summary, the available evidence is currently insufficient to determine the role of this variant in disease. Therefore, it has been classified as a Variant of Uncertain Significance.

Blueprint Genetics
Classification: Uncertain significance. Last evaluated: 2019-07-22. Review status: criteria provided, single submitter. Criteria: ACMG Guidelines, 2015. Collection method: clinical testing. Allele origin: germline.